The following is an entry in ClinVar:

ClinVar aggregate classification (germline): Conflicting classifications of pathogenicity. Review status: criteria provided, conflicting classifications (1 of 4 stars). 2 submissions from 2 submitters: Uncertain significance (1); Likely benign (1). Last evaluated 2023-09-07.

Allele frequency attached by ClinVar (database versions not stated): gnomAD exomes 0.00001; ExAC 0.00003; gnomAD 0.00003.
gnomAD v4.1: 14 of 1,576,706 alleles (0.00089%); highest among the groups gnomAD compares: Admixed American, 0.016%; no homozygotes.

Submissions (2):

Labcorp Genetics (formerly Invitae), Labcorp
Classification: Uncertain significance. Last evaluated: 2023-09-07. Review status: criteria provided, single submitter. Criteria: Invitae Variant Classification Sherloc (09022015). Collection method: clinical testing. Allele origin: germline.
Comment: This variant is present in population databases (rs763508005, gnomAD 0.01%). This sequence change replaces histidine, which is basic and polar, with arginine, which is basic and polar, at codon 283 of the IFNAR2 protein (p.His283Arg). This variant has not been reported in the literature in individuals affected with IFNAR2-related conditions. Algorithms developed to predict the effect of missense changes on protein structure and function output the following: SIFT: "Not Available"; PolyPhen-2: "Benign"; Align-GVGD: "Not Available". The arginine amino acid residue is found in multiple mammalian species, which suggests that this missense change does not adversely affect protein function. In summary, the available evidence is currently insufficient to determine the role of this variant in disease. Therefore, it has been classified as a Variant of Uncertain Significance.

Blueprint Genetics
Classification: Likely benign. Last evaluated: 2021-04-26. Review status: criteria provided, single submitter. Criteria: ACMG Guidelines, 2015. Collection method: clinical testing. Allele origin: germline.

NM_001289125.3(IFNAR2):c.848A>G (p.His283Arg)

Genes: IFNAR2 (interferon alpha and beta receptor subunit 2; plus strand), IFNAR2-IL10RB (IFNAR2-IL10RB readthrough; plus strand). Cytogenetic location: 21q22.11.
Variant type: single nucleotide variant.
Coding change: c.848A>G on transcript NM_001289125.3 (MANE Select); coding-DNA position 848, A replaced by G.
Protein change: p.His283Arg; replaces histidine 283 with arginine.
Molecular consequence: missense variant. On other transcripts: 3 prime UTR variant (3), synonymous variant (2), intron variant (1).
Genome position (GRCh38, 1-based): chr21:33,262,800, A>G. VCF-style: chr21-33262800-A-G. GRCh37 (hg19) VCF-style: chr21-34635105-A-G.
Other names: c.*84A>G (NM_000874.5, NM_207584.3); c.717A>G, p.Ser239= (NM_001289126.2, NM_001289128.2); c.*223A>G (NM_001385054.1); c.848A>G, p.His283Arg (NM_001385055.1, NM_207585.3); c.710-5594A>G (NM_001414505.1); short protein forms H283R.
Identifiers: ClinVar variation 2902965 (VCV002902965.3), dbSNP rs763508005, ClinGen allele CA10005864.